The following is an entry in ClinVar:

NM_021625.5(TRPV4):c.36C>T (p.Pro12=)

Gene: TRPV4 (transient receptor potential cation channel subfamily V member 4; minus strand). Cytogenetic location: 12q24.11.
Variant type: single nucleotide variant.
Coding change: c.36C>T on transcript NM_021625.5 (MANE Select); coding-DNA position 36, C replaced by T.
Protein change: p.Pro12=; no amino-acid change (proline 12 retained).
Molecular consequence: synonymous variant.
Genome position (GRCh38, 1-based): chr12:109,814,761, G>A on the plus strand (C>T on the coding strand, the complement: TRPV4 is on the minus strand). VCF-style: chr12-109814761-G-A. GRCh37 (hg19) VCF-style: chr12-110252566-G-A.
Other names: c.36C>T, p.Pro12= (NM_001177428.2, NM_001177431.2, NM_001177433.2 and 1 more transcripts).
Identifiers: ClinVar variation 546723 (VCV000546723.52), dbSNP rs550200361, ClinGen allele CA6780633.

ClinVar aggregate classification (germline): Likely benign. Review status: criteria provided, multiple submitters, no conflicts (2 of 4 stars). 4 submissions from 4 submitters: Likely benign (4). Last evaluated 2025-12-03.

Conditions:
TRPV4-related disorder. Also called: TRPV4-related disorders; TRPV4-related condition.
Inborn genetic diseases. Identifiers: MedGen C0950123, MeSH D030342.
Charcot-Marie-Tooth disease axonal type 2C (HMSN2C). Also called: CHARCOT-MARIE-TOOTH DISEASE, AXONAL, AUTOSOMAL DOMINANT, TYPE 2C; Charcot-Marie-Tooth Neuropathy Type 2C; Charcot-Marie-Tooth Disease Type 2, TRPV4-Related (CMT2C). Identifiers: Orphanet 99937, MedGen C1853710, MONDO:0011633, OMIM 606071.

Allele frequency attached by ClinVar (database versions not stated): 1000 Genomes Project 30x 0.00031; gnomAD 0.00003; gnomAD exomes 0.00004 and 0.00010; TOPMed 0.00006; ExAC 0.00007; 1000 Genomes Project 0.00020.
gnomAD v4.1: 69 of 1,563,748 alleles (0.0044%); highest among the groups gnomAD compares: East Asian, 0.031%; no homozygotes.

Submissions (4):

Labcorp Genetics (formerly Invitae), Labcorp
Classification: Likely benign for Charcot-Marie-Tooth disease axonal type 2C. Last evaluated: 2025-12-03. Review status: criteria provided, single submitter. Criteria: Invitae Variant Classification Sherloc (09022015). Collection method: clinical testing. Allele origin: germline.

PreventionGenetics, part of Exact Sciences
Classification: Likely benign for TRPV4-related condition. Last evaluated: 2025-06-11. Review status: criteria provided, single submitter. Criteria: ACMG Guidelines, 2015. Collection method: clinical testing. Allele origin: germline.
Comment: This variant is classified as likely benign based on ACMG/AMP sequence variant interpretation guidelines (Richards et al. 2015 PMID: 25741868, with internal and published modifications).

Ambry Genetics
Classification: Likely benign for Inborn genetic diseases. Last evaluated: 2019-07-11. Review status: criteria provided, single submitter. Criteria: Ambry Variant Classification Scheme 2023. Collection method: clinical testing. Allele origin: germline.

CeGaT Center for Human Genetics Tuebingen
Classification: Likely benign. Last evaluated: 2018-02-01. Review status: criteria provided, single submitter. Criteria: CeGaT Center For Human Genetics Tuebingen Variant Classification Criteria Version 2. Collection method: clinical testing. Allele origin: germline. Affected: yes. Observed: 1 variant allele.